The following is an entry in ClinVar:

ClinVar aggregate classification (germline): Uncertain significance (1 of 4 stars; one submission).

Conditions:
Cryptosporidiosis-chronic cholangitis-liver disease syndrome. Also called: Immunodeficiency type 56; IL21R immunodeficiency. Identifiers: Orphanet 357329, MedGen C3554687, MONDO:0014082, OMIM 615207.

Submission:

Labcorp Genetics (formerly Invitae), Labcorp
Classification: Uncertain significance for Cryptosporidiosis-chronic cholangitis-liver disease syndrome. Last evaluated: 2019-03-28. Review status: criteria provided, single submitter. Criteria: Invitae Variant Classification Sherloc (09022015). Collection method: clinical testing. Allele origin: germline.
Comment: This variant is not present in population databases (ExAC no frequency). This sequence change results in a premature translational stop signal in the IL21R gene (p.Gly304*). While this is not anticipated to result in nonsense mediated decay, it is expected to disrupt the last 235 amino acids of the IL21R protein. This variant has not been reported in the literature in individuals with IL21R-related conditions. In summary, the available evidence is currently insufficient to determine the role of this variant in disease. Therefore, it has been classified as a Variant of Uncertain Significance.

NM_181078.3(IL21R):c.910G>T (p.Gly304Ter)

Genes: IL21R (interleukin 21 receptor; plus strand), IL21R-AS1 (IL21R antisense RNA 1; minus strand). Cytogenetic location: 16p12.1.
Variant type: single nucleotide variant.
Coding change: c.910G>T on transcript NM_181078.3 (MANE Select); coding-DNA position 910, G replaced by T.
Protein change: p.Gly304Ter; replaces glycine 304 with a stop codon.
Molecular consequence: nonsense. On other transcripts: non-coding transcript variant (1).
Genome position (GRCh38, 1-based): chr16:27,448,576, G>T. VCF-style: chr16-27448576-G-T. GRCh37 (hg19) VCF-style: chr16-27459897-G-T.
Other names: c.910G>T, p.Gly304Ter (NM_021798.4); c.976G>T, p.Gly326Ter (NM_181079.5); short protein forms G304*, G326*.
Identifiers: ClinVar variation 843570 (VCV000843570.8), dbSNP rs2087526618, ClinGen allele CA395306725.